The following is an entry in ClinVar:

ClinVar aggregate classification (germline): Uncertain significance. Review status: criteria provided, multiple submitters, no conflicts (2 of 4 stars). 2 submissions from 2 submitters: Uncertain significance (2). Last evaluated 2022-12-01.

Submissions (2):

CeGaT Center for Human Genetics Tuebingen
Classification: Uncertain significance. Last evaluated: 2022-12-01. Review status: criteria provided, single submitter. Criteria: CeGaT Center For Human Genetics Tuebingen Variant Classification Criteria Version 2. Collection method: clinical testing. Allele origin: germline. Affected: yes. Observed: 1 variant allele.
Comment: PLEC: PM2

Revvity Omics, Revvity
Classification: Uncertain significance. Last evaluated: 2020-02-20. Review status: criteria provided, single submitter. Criteria: ACMG Guidelines, 2015. Collection method: clinical testing. Allele origin: germline.

NM_201384.3(PLEC):c.5118G>T (p.Gln1706His)

Gene: PLEC (plectin; minus strand). Cytogenetic location: 8q24.3.
Variant type: single nucleotide variant.
Coding change: c.5118G>T on transcript NM_201384.3 (MANE Select); coding-DNA position 5118, G replaced by T.
Protein change: p.Gln1706His; replaces glutamine 1706 with histidine.
Molecular consequence: missense variant.
Genome position (GRCh38, 1-based): chr8:143,924,811, C>A on the plus strand (G>T on the coding strand, the complement: PLEC is on the minus strand). VCF-style: chr8-143924811-C-A. GRCh37 (hg19) VCF-style: chr8-144998979-C-A.
Other names: c.5199G>T, p.Gln1733His (NM_000445.5); c.5076G>T, p.Gln1692His (NM_201378.4); c.5052G>T, p.Gln1684His (NM_201379.3); c.5529G>T, p.Gln1843His (NM_201380.4); c.5022G>T, p.Gln1674His (NM_201381.3); c.5118G>T, p.Gln1706His (NM_201382.4); c.5130G>T, p.Gln1710His (NM_201383.3); short protein forms Q1674H, Q1684H, Q1692H, Q1706H, Q1710H, Q1733H, Q1843H.
Identifiers: ClinVar variation 2434997 (VCV002434997.27), dbSNP rs1554699097, ClinGen allele CA372549522.
Genomic context (GRCh38, chr8:143,924,811, plus strand): 5'-CTCCCCCTGCTCCGTCTCGGCCCGCAGCCGGATCAACTCCTGCTCCGCGGCCAGGCGCTG[C>A]TGCGCGGTGCCTTCCGCCAGCTGCCGCTGCTTCTCCAGCTCTTGTTCAGCCAGCTCCCGC-3'
Protein context (NP_958786.1, residues 1696-1716): KQRQLAEGTA[Gln1706His]QRLAAEQELI